The following is an entry in ClinVar:

ClinVar aggregate classification (germline): Uncertain significance (1 of 4 stars; one submission).

Conditions:
Parkinsonism-dystonia, infantile. Identifiers: Orphanet 238455, MedGen C2751067, MONDO:0013150.

Allele frequency attached by ClinVar (database versions not stated): gnomAD 0.00001; gnomAD exomes 0.00001 and 0.00003; TOPMed 0.00001; ExAC 0.00006.
gnomAD v4.1: 8 of 1,596,826 alleles (0.0005%); highest among the groups gnomAD compares: Admixed American, 0.012%; no homozygotes.

Submission:

Labcorp Genetics (formerly Invitae), Labcorp
Classification: Uncertain significance for Parkinsonism-dystonia, infantile. Last evaluated: 2020-11-12. Review status: criteria provided, single submitter. Criteria: Invitae Variant Classification Sherloc (09022015). Collection method: clinical testing. Allele origin: germline.
Comment: In summary, the available evidence is currently insufficient to determine the role of this variant in disease. Therefore, it has been classified as a Variant of Uncertain Significance. Algorithms developed to predict the effect of missense changes on protein structure and function (SIFT, PolyPhen-2, Align-GVGD) all suggest that this variant is likely to be tolerated, but these predictions have not been confirmed by published functional studies and their clinical significance is uncertain. This variant has not been reported in the literature in individuals with SLC6A3-related conditions. This variant is present in population databases (rs758010586, ExAC 0.07%). This sequence change replaces isoleucine with valine at codon 595 of the SLC6A3 protein (p.Ile595Val). The isoleucine residue is moderately conserved and there is a small physicochemical difference between isoleucine and valine.

NM_001044.5(SLC6A3):c.1783A>G (p.Ile595Val)

Gene: SLC6A3 (solute carrier family 6 member 3). Cytogenetic location: 5p15.33.
Variant type: single nucleotide variant.
Coding change: c.1783A>G on transcript NM_001044.5 (MANE Select); coding-DNA position 1783, A replaced by G.
Protein change: p.Ile595Val; replaces isoleucine 595 with valine.
Molecular consequence: missense variant.
Genome position (GRCh38, 1-based): chr5:1,400,971, T>C on the plus strand (A>G on the coding strand, the complement: SLC6A3 is on the minus strand). VCF-style: chr5-1400971-T-C. GRCh37 (hg19) VCF-style: chr5-1401086-T-C.
Other names: short protein forms I595V.
Identifiers: ClinVar variation 1404393 (VCV001404393.8), dbSNP rs758010586, ClinGen allele CA3185889.